The following is an entry in ClinVar:

ClinVar aggregate classification (germline): Uncertain significance (1 of 4 stars; one submission).

Conditions:
Duchenne muscular dystrophy (DMD). Also called: MUSCULAR DYSTROPHY, PSEUDOHYPERTROPHIC PROGRESSIVE, DUCHENNE TYPE; Duchenne Muscular Dystrophy (DMD). Identifiers: Orphanet 98896, MedGen C0013264, MONDO:0010679, OMIM 310200.

Submission:

Labcorp Genetics (formerly Invitae), Labcorp
Classification: Uncertain significance for Duchenne muscular dystrophy. Last evaluated: 2022-11-07. Review status: criteria provided, single submitter. Criteria: Invitae Variant Classification Sherloc (09022015). Collection method: clinical testing. Allele origin: germline.
Comment: In summary, the available evidence is currently insufficient to determine the role of this variant in disease. Therefore, it has been classified as a Variant of Uncertain Significance. Algorithms developed to predict the effect of missense changes on protein structure and function are either unavailable or do not agree on the potential impact of this missense change (SIFT: "Deleterious"; PolyPhen-2: "Probably Damaging"; Align-GVGD: "Class C15"). ClinVar contains an entry for this variant (Variation ID: 1346299). This variant has not been reported in the literature in individuals affected with DMD-related conditions. This variant is not present in population databases (gnomAD no frequency). This sequence change replaces leucine, which is neutral and non-polar, with tryptophan, which is neutral and slightly polar, at codon 724 of the DMD protein (p.Leu724Trp).

NM_004006.3(DMD):c.2171T>G (p.Leu724Trp)

Gene: DMD (dystrophin; minus strand). Cytogenetic location: Xp21.1.
Variant type: single nucleotide variant.
Coding change: c.2171T>G on transcript NM_004006.3 (MANE Select); coding-DNA position 2171, T replaced by G.
Protein change: p.Leu724Trp; replaces leucine 724 with tryptophan.
Molecular consequence: missense variant.
Genome position (GRCh38, 1-based): chrX:32,518,129, A>C on the plus strand (T>G on the coding strand, the complement: DMD is on the minus strand). VCF-style: chrX-32518129-A-C. GRCh37 (hg19) VCF-style: chrX-32536246-A-C.
Other names: c.2147T>G, p.Leu716Trp (NM_000109.4); c.2159T>G, p.Leu720Trp (NM_004009.3); c.1802T>G, p.Leu601Trp (NM_004010.3); short protein forms L601W, L716W, L724W, L720W.
Identifiers: ClinVar variation 1346299 (VCV001346299.8), dbSNP rs2148804933, ClinGen allele CA412664244.